The following is an entry in ClinVar:

ClinVar aggregate classification (germline): Uncertain significance. Review status: criteria provided, multiple submitters, no conflicts (2 of 4 stars). 2 submissions from 2 submitters: Uncertain significance (2). Last evaluated 2022-07-19.

Conditions:
Epileptic encephalopathy. Identifiers: MedGen C0543888, HP:0200134.

Allele frequency attached by ClinVar (database versions not stated): gnomAD exomes 0.00002 and 0.00006; ExAC 0.00004; ESP Exome Variant Server 0.00025; gnomAD 0.00038 and 0.00041; TOPMed 0.00039.
gnomAD v4.1: 83 of 1,613,046 alleles (0.0051%); highest among the groups gnomAD compares: African/African-American, 0.1%; 1 homozygote.

Submissions (2):

Labcorp Genetics (formerly Invitae), Labcorp
Classification: Uncertain significance for Epileptic encephalopathy. Last evaluated: 2022-07-19. Review status: criteria provided, single submitter. Criteria: Invitae Variant Classification Sherloc (09022015). Collection method: clinical testing. Allele origin: germline.
Comment: This variant has not been reported in the literature in individuals affected with RYR3-related conditions. This variant is present in population databases (rs377371320, gnomAD 0.1%), and has an allele count higher than expected for a pathogenic variant. This sequence change replaces serine, which is neutral and polar, with asparagine, which is neutral and polar, at codon 4317 of the RYR3 protein (p.Ser4317Asn). ClinVar contains an entry for this variant (Variation ID: 649210). In summary, the available evidence is currently insufficient to determine the role of this variant in disease. Therefore, it has been classified as a Variant of Uncertain Significance. Algorithms developed to predict the effect of missense changes on protein structure and function output the following: SIFT: "Tolerated"; PolyPhen-2: "Benign"; Align-GVGD: "Class C0". The asparagine amino acid residue is found in multiple mammalian species, which suggests that this missense change does not adversely affect protein function.

Ambry Genetics
Classification: Uncertain significance. Last evaluated: 2021-09-16. Review status: criteria provided, single submitter. Criteria: Ambry Variant Classification Scheme 2023. Collection method: clinical testing. Allele origin: germline.

NM_001036.6(RYR3):c.12950G>A (p.Ser4317Asn)

Gene: RYR3 (ryanodine receptor 3; plus strand). Cytogenetic location: 15q14.
Variant type: single nucleotide variant.
Coding change: c.12950G>A on transcript NM_001036.6 (MANE Select); coding-DNA position 12950, G replaced by A.
Protein change: p.Ser4317Asn; replaces serine 4317 with asparagine.
Molecular consequence: missense variant.
Genome position (GRCh38, 1-based): chr15:33,838,930, G>A. VCF-style: chr15-33838930-G-A. GRCh37 (hg19) VCF-style: chr15-34131131-G-A.
Other names: c.12935G>A, p.Ser4312Asn (NM_001243996.4); c.12950G>A (NM_001036.3); short protein forms S4317N, S4312N.
Identifiers: ClinVar variation 649210 (VCV000649210.9), dbSNP rs377371320, ClinGen allele CA7461502.